The following is an entry in ClinVar:

ClinVar aggregate classification (germline): Conflicting classifications of pathogenicity. Review status: criteria provided, conflicting classifications (1 of 4 stars). 2 submissions from 2 submitters: Uncertain significance (1); Likely benign (1). Last evaluated 2024-04-04.

Conditions:
Cardiovascular phenotype. Identifiers: MedGen CN230736.

Allele frequency attached by ClinVar (database versions not stated): TOPMed 0.00004.
gnomAD v4.1: 18 of 1,550,322 alleles (0.0012%); highest among the groups gnomAD compares: East Asian, 0.027%; no homozygotes.

Submissions (2):

Labcorp Genetics (formerly Invitae), Labcorp
Classification: Uncertain significance. Last evaluated: 2024-04-04. Review status: criteria provided, single submitter. Criteria: Invitae Variant Classification Sherloc (09022015). Collection method: clinical testing. Allele origin: germline.
Comment: This sequence change replaces proline, which is neutral and non-polar, with arginine, which is basic and polar, at codon 1689 of the ZNF469 protein (p.Pro1689Arg). This variant is present in population databases (no rsID available, gnomAD 0.08%). This variant has not been reported in the literature in individuals affected with ZNF469-related conditions. ClinVar contains an entry for this variant (Variation ID: 320938). Algorithms developed to predict the effect of missense changes on protein structure and function output the following: SIFT: "Not Available"; PolyPhen-2: "Benign"; Align-GVGD: "Not Available". The arginine amino acid residue is found in multiple mammalian species, which suggests that this missense change does not adversely affect protein function. In summary, the available evidence is currently insufficient to determine the role of this variant in disease. Therefore, it has been classified as a Variant of Uncertain Significance.

Ambry Genetics
Classification: Likely benign for Cardiovascular phenotype. Last evaluated: 2023-05-27. Review status: criteria provided, single submitter. Criteria: Ambry Variant Classification Scheme 2023. Collection method: clinical testing. Allele origin: germline.

NM_001367624.2(ZNF469):c.5150C>G (p.Pro1717Arg)

Gene: ZNF469 (zinc finger protein 469; plus strand). Cytogenetic location: 16q24.2.
Variant type: single nucleotide variant.
Coding change: c.5150C>G on transcript NM_001367624.2 (MANE Select); coding-DNA position 5150, C replaced by G.
Protein change: p.Pro1717Arg; replaces proline 1717 with arginine.
Molecular consequence: missense variant.
Genome position (GRCh38, 1-based): chr16:88,432,620, C>G. VCF-style: chr16-88432620-C-G. GRCh37 (hg19) VCF-style: chr16-88499028-C-G.
Other names: short protein forms P1717R.
Identifiers: ClinVar variation 320938 (VCV000320938.9), dbSNP rs544832628, ClinGen allele CA10649182.